The following is an entry in ClinVar:

ClinVar aggregate classification (germline): Likely benign (1 of 4 stars; one submission).

Conditions:
Maple syrup urine disease (MSUD). Identifiers: Orphanet 511, MedGen C0024776, MeSH D008375, MONDO:0009563. Disease mechanism: loss of function.

Allele frequency attached by ClinVar (database versions not stated): gnomAD 0.00033 and 0.00080; TOPMed 0.00050; 1000 Genomes Project 30x 0.00156; 1000 Genomes Project 0.00180.

Submission:

Illumina Laboratory Services, Illumina
Classification: Likely benign for Maple syrup urine disease type 1A. Last evaluated: 2018-01-12. Review status: criteria provided, single submitter. Criteria: ICSL Variant Classification Criteria 13 December 2019. Collection method: clinical testing. Allele origin: germline.
Comment: This variant was observed in the ICSL laboratory as part of a predisposition screen in an ostensibly healthy population. It had not been previously curated by ICSL or reported in the Human Gene Mutation Database (HGMD: prior to June 1st, 2018), and was therefore a candidate for classification through an automated scoring system. Utilizing variant allele frequency, disease prevalence and penetrance estimates, and inheritance mode, an automated score was calculated to assess if this variant is too frequent to cause the disease. Based on the score and internal cut-off values, a variant classified as likely benign is not then subjected to further curation. The score for this variant resulted in a classification of likely benign for this disease.

NM_001918.5(DBT):c.*6716C>G

Gene: DBT (dihydrolipoamide branched chain transacylase E2; minus strand). Cytogenetic location: 1p21.2.
Variant type: single nucleotide variant.
Coding change: c.*6716C>G on transcript NM_001918.5 (MANE Select); 6716 bases downstream of the stop codon, C replaced by G.
Molecular consequence: 3 prime UTR variant.
Genome position (GRCh38, 1-based): chr1:100,189,539, G>C on the plus strand (C>G on the coding strand, the complement: DBT is on the minus strand). VCF-style: chr1-100189539-G-C. GRCh37 (hg19) VCF-style: chr1-100655095-G-C.
Identifiers: ClinVar variation 875224 (VCV000875224.4), dbSNP rs529415312, ClinGen allele CA27596664.